The following is an entry in ClinVar:

NM_000038.6(APC):c.7821C>T (p.Ser2607=)

Gene: APC (APC regulator of Wnt signaling pathway; plus strand). Cytogenetic location: 5q22.2.
Variant type: single nucleotide variant.
Coding change: c.7821C>T on transcript NM_000038.6 (MANE Select); coding-DNA position 7821, C replaced by T.
Protein change: p.Ser2607=; no amino-acid change (serine 2607 retained).
Molecular consequence: synonymous variant.
Genome position (GRCh38, 1-based): chr5:112,843,415, C>T. VCF-style: chr5-112843415-C-T. GRCh37 (hg19) VCF-style: chr5-112179112-C-T.
Other names: c.7821C>T, p.Ser2607= (NM_001127510.3, NM_001354895.2); c.7767C>T, p.Ser2589= (NM_001127511.3); c.7875C>T, p.Ser2625= (NM_001354896.2); c.7851C>T, p.Ser2617= (NM_001354897.2); c.7746C>T, p.Ser2582= (NM_001354898.2); c.7737C>T, p.Ser2579= (NM_001354899.2); c.7698C>T, p.Ser2566= (NM_001354900.2); c.7644C>T, p.Ser2548= (NM_001354901.2); and 5 more.
Identifiers: ClinVar variation 184665 (VCV000184665.64), dbSNP rs532235331, ClinGen allele CA014089.

ClinVar aggregate classification (germline): Benign/Likely benign. Review status: criteria provided, multiple submitters, no conflicts (2 of 4 stars). 17 submissions from 17 submitters: Benign (11); Likely benign (4). 2 of the submissions do not count toward it. Last evaluated 2026-01-28.

Conditions:
Classic or attenuated familial adenomatous polyposis. Identifiers: MedGen CN372698, MONDO:0021057.
APC-Associated Polyposis Disorders.
Hereditary cancer-predisposing syndrome. Also called: Tumor predisposition; Neoplastic Syndromes, Hereditary; Hereditary Cancer Syndrome; Hereditary neoplastic syndrome. Identifiers: Orphanet 140162, MedGen C0027672, MeSH D009386, MONDO:0015356.
Familial adenomatous polyposis 1 (FAP1). Also called: POLYPOSIS, ADENOMATOUS INTESTINAL; FAMILIAL ADENOMATOUS POLYPOSIS 1, ATTENUATED. Identifiers: MedGen C2713442, MONDO:0021056, OMIM 175100. Disease mechanism: loss of function.

Allele frequency attached by ClinVar (database versions not stated): gnomAD 0.00002 and 0.00026; TOPMed 0.00008; gnomAD exomes 0.00039 and 0.00072; ExAC 0.00091; 1000 Genomes Project 30x 0.00203; 1000 Genomes Project 0.00240.
gnomAD v4.1: 613 of 1,612,812 alleles (0.038%); highest among the groups gnomAD compares: South Asian, 0.64%; 12 homozygotes.

Submissions (17):

Labcorp Genetics (formerly Invitae), Labcorp
Classification: Benign for Familial adenomatous polyposis 1. Last evaluated: 2026-01-28. Review status: criteria provided, single submitter. Criteria: Invitae Variant Classification Sherloc (09022015). Collection method: clinical testing. Allele origin: germline.

Center for Genomic Medicine, Rigshospitalet, Copenhagen University Hospital
Classification: Likely benign. Last evaluated: 2025-03-04. Review status: criteria provided, single submitter. Criteria: ACMG Guidelines, 2015. Collection method: clinical testing. Allele origin: germline.

KCCC/NGS Laboratory, Kuwait Cancer Control Center
Classification: Benign for Familial adenomatous polyposis 1. Last evaluated: 2025-02-01. Review status: criteria provided, single submitter. Criteria: ACMG Guidelines, 2015. Collection method: clinical testing. Allele origin: germline. Affected: no.

Blueprint Genetics
Classification: Likely benign. Last evaluated: 2024-11-18. Review status: criteria provided, single submitter. Criteria: ACMG Guidelines, 2015. Collection method: clinical testing. Allele origin: germline.

CeGaT Center for Human Genetics Tuebingen
Classification: Likely benign. Last evaluated: 2024-11-01. Review status: criteria provided, single submitter. Criteria: CeGaT Center For Human Genetics Tuebingen Variant Classification Criteria Version 2. Collection method: clinical testing. Allele origin: germline. Affected: yes. Observed: 2 variant alleles.
Comment: APC: BP4, BP7

All of Us Research Program, National Institutes of Health
Classification: Benign for Classic or attenuated familial adenomatous polyposis. Last evaluated: 2024-02-05. Review status: criteria provided, single submitter. Criteria: ACMG Guidelines, 2015. Collection method: clinical testing. Allele origin: germline. Inheritance: Autosomal dominant inheritance. Observed: 24 variant alleles, 23 heterozygotes, 1 homozygote.
Comment: This study involves interpretation of variants in research participants for the purpose of population health screening. Participant phenotype was not available at the time of variant classification. Additional details can be found in publication PMID: 35346344, PMCID: PMC8962531

Institute for Biomarker Research, Medical Diagnostic Laboratories, L.L.C.
Classification: Benign for Hereditary cancer-predisposing syndrome. Last evaluated: 2023-06-22. Review status: criteria provided, single submitter. Criteria: ACMG Guidelines, 2015. Collection method: clinical testing. Allele origin: germline.

Myriad Genetics, Inc.
Classification: Benign for Familial adenomatous polyposis 1. Last evaluated: 2023-02-17. Review status: criteria provided, single submitter. Criteria: Myriad Autosomal Dominant, Autosomal Recessive and X-Linked Classification Criteria (2023). Collection method: clinical testing. Allele origin: unknown.
Comment: This variant is considered benign. This variant is a silent/synonymous amino acid change and it is not expected to impact splicing.

Quest Diagnostics Nichols Institute San Juan Capistrano
Classification: Benign. Last evaluated: 2021-11-12. Review status: criteria provided, single submitter. Criteria: Quest Diagnostics criteria. Collection method: clinical testing. Allele origin: unknown.

Sema4
Classification: Benign for Hereditary cancer-predisposing syndrome. Last evaluated: 2021-02-18. Review status: criteria provided, single submitter. Criteria: Sema4 Curation Guidelines. Collection method: curation. Allele origin: germline.

Illumina Laboratory Services, Illumina
Classification: Benign for APC-Associated Polyposis Disorders. Last evaluated: 2018-01-13. Review status: criteria provided, single submitter. Criteria: ICSL Variant Classification Criteria 13 December 2019. Collection method: clinical testing. Allele origin: germline.
Comment: This variant was observed in the ICSL laboratory as part of a predisposition screen in an ostensibly healthy population. It had not been previously curated by ICSL or reported in the Human Gene Mutation Database (HGMD: prior to June 1st, 2018), and was therefore a candidate for classification through an automated scoring system. Utilizing variant allele frequency, disease prevalence and penetrance estimates, and inheritance mode, an automated score was calculated to assess if this variant is too frequent to cause the disease. Based on the score and internal cut-off values, a variant classified as benign is not then subjected to further curation. The score for this variant resulted in a classification of benign for this disease.

Color Diagnostics, LLC DBA Color Health
Classification: Benign for Hereditary cancer-predisposing syndrome. Last evaluated: 2016-11-14. Review status: criteria provided, single submitter. Criteria: ACMG Guidelines, 2015. Collection method: clinical testing. Allele origin: germline.

Women's Health and Genetics/Laboratory Corporation of America, LabCorp
Classification: Benign. Last evaluated: 2016-07-01. Review status: criteria provided, single submitter. Criteria: LabCorp Variant Classification Summary - May 2015. Collection method: clinical testing. Allele origin: germline.
Comment: Variant summary: The APC c.7821C>T (p.Ser2607Ser) causes a synonymous change involving a non-conserved nucleotide with 5/5 splice prediction tools predicting no significant impact on splicing, although these predictions have yet to be functionally assessed. The variant of interest was observed in the large, broad control population, ExAC, with an allele frequency of 110/120952 (3 homozygotes, 1/1111), predominantly observed in the South Asian, 107/16502 (3 homozygotes, 1/154), which significantly exceeds the estimated maximal expected allele frequency for a pathogenic APC variant of 1/14,0005 (0.0000714). Therefore, suggesting this variant is a common polymorphism found in population(s) of South Asian orign. The variant of interest, to our knowledge, has not been reported in affected individuals via publications, although multiple reputable clinical laboratories cite the variant as "likely benign/benign." Therefore, taking all available lines of evidence into consideration, the variant of interest is classified as Benign.

GeneDx
Classification: Benign. Last evaluated: 2015-05-21. Review status: criteria provided, single submitter. Criteria: GeneDx Variant Classification (06012015). Collection method: clinical testing. Allele origin: germline. Affected: yes.
Comment: This variant is considered likely benign or benign based on one or more of the following criteria: it is a conservative change, it occurs at a poorly conserved position in the protein, it is predicted to be benign by multiple in silico algorithms, and/or has population frequency not consistent with disease.

Ambry Genetics
Classification: Likely benign for Hereditary cancer-predisposing syndrome. Last evaluated: 2014-12-04. Review status: criteria provided, single submitter. Criteria: Ambry Variant Classification Scheme 2023. Collection method: clinical testing. Allele origin: germline.

Counsyl
Classification: Likely benign for Familial adenomatous polyposis 1. Last evaluated: 2015-11-24. Review status: no assertion criteria provided. Collection method: clinical testing. Allele origin: unknown. Not counted in ClinVar's aggregate classification.

Department of Pathology and Laboratory Medicine, Sinai Health System
Classification: Benign for Familial adenomatous polyposis 1. Review status: no assertion criteria provided. Collection method: clinical testing. Allele origin: unknown. Affected: yes. Study: The Canadian Open Genetics Repository (COGR). Not counted in ClinVar's aggregate classification.
Comment: The APC p.Ser2607= variant was not identified in the literature nor was it identified in the following databases: COGR, Cosmic, MutDB, UMD-LSDB, and Zhejiang Colon Cancer Database. The variant was identified in dbSNP (ID: rs532235331) â€šÃ„ÃºWith other alleleâ€šÃ„Ã¹, ClinVar (classified benign by Invitae, GeneDx and Quest Diagnostics Nichols Institute San Juan Capistrano; and likely benign by Ambry Genetics, Illumina and Counsyl), Clinvitae (4x), and in control databases in 182 (5 homozygous) of 276188 chromosomes at a frequency of 0.0007 increasing the likelihood this could be a low frequency variant (Genome Aggregation Consortium Feb 27, 2017). Observations by population include African in 1 of 24008 chromosomes (freq. 0.00004), other in 3 of 6444 chromosomes (freq. 0.0005), Latino in 1 of 34310 chromosomes (freq. 0.002), European Non-Finnish in 1 of 126050 chromosomes (freq. 0.000008), East Asian in 2 of 18844 chromosomes (freq: 0.0001), and South Asian in 174 (5 homozygous) of 30656 chromosomes (freq. 0.0064); it was not seen in the Ashkenazi Jewish and European Finnish populations. The p.Ser2607= variant is not expected to have clinical significance because it does not result in a change of amino acid and is not located in a known consensus splice site. In addition, in silico or computational prediction software programs (SpliceSiteFinder, MaxEntScan, NNSPLICE, GeneSplicer, HumanSpliceFinder) do not predict a difference in splicing. In summary, based on the above information this variant meets our laboratory's criteria to be classified as benign.